The following is an entry in ClinVar:

ClinVar aggregate classification (germline): Uncertain significance (1 of 4 stars; one submission).

Conditions:
GATAD2B-related intellectual disability syndrome.

Submission:

Illumina Laboratory Services, Illumina
Classification: Uncertain significance for GATAD2B-related intellectual disability syndrome. Last evaluated: 2020-01-31. Review status: criteria provided, single submitter. Criteria: ICSLVariantClassificationCriteria RUGD 01 April 2020. Collection method: clinical testing. Allele origin: unknown.
Comment: The GATAD2B c.1640G>C (p.Gly547Ala) variant is a missense variant. A literature search was performed for the gene, cDNA change, and amino acid change. No publications were found based on this search. This variant is not found in the Genome Aggregation Database, so it is presumed to be rare. Multiple in silico tools predict this variant to be tolerated. In addition, the Gly547 residue is not located within the conserved CR1 or CR2 domains of the protein, which is where all missense variants identified to date have been found. Based on the limited evidence, the p.Gly547Ala variant is classified as a variant of unknown significance for GATAD2B-related intellectual disability syndrome.

NM_020699.4(GATAD2B):c.1640G>C (p.Gly547Ala)

Gene: GATAD2B (GATA zinc finger domain containing 2B; minus strand). Cytogenetic location: 1q21.3.
Variant type: single nucleotide variant.
Coding change: c.1640G>C on transcript NM_020699.4 (MANE Select); coding-DNA position 1640, G replaced by C.
Protein change: p.Gly547Ala; replaces glycine 547 with alanine.
Molecular consequence: missense variant.
Genome position (GRCh38, 1-based): chr1:153,811,739, C>G on the plus strand (G>C on the coding strand, the complement: GATAD2B is on the minus strand). VCF-style: chr1-153811739-C-G. GRCh37 (hg19) VCF-style: chr1-153784215-C-G.
Other names: short protein forms G547A.
Identifiers: ClinVar variation 873480 (VCV000873480.4), dbSNP rs1198920234, ClinGen allele CA342580669.